The following is an entry in ClinVar:

ClinVar aggregate classification (germline): Uncertain significance. Review status: criteria provided, multiple submitters, no conflicts (2 of 4 stars). 3 submissions from 3 submitters: Uncertain significance (3). Last evaluated 2025-01-17.

Conditions:
Atrioventricular septal defect 5 (AVSD5). Identifiers: MedGen C3280939, MONDO:0013769, OMIM 614474.
Inborn genetic diseases. Identifiers: MedGen C0950123, MeSH D030342.

Allele frequency attached by ClinVar (database versions not stated): TOPMed below 0.00001; ExAC 0.00001; gnomAD 0.00001; gnomAD exomes 0.00001 and 0.00003.
gnomAD v4.1: 48 of 1,612,058 alleles (0.003%); highest among the groups gnomAD compares: Non-Finnish European, 0.0038%; no homozygotes.

Submissions (3):

Ambry Genetics
Classification: Uncertain significance for Inborn genetic diseases. Last evaluated: 2025-01-17. Review status: criteria provided, single submitter. Criteria: Ambry Variant Classification Scheme 2023. Collection method: clinical testing. Allele origin: germline.

GeneDx
Classification: Uncertain significance. Last evaluated: 2024-04-16. Review status: criteria provided, single submitter. Criteria: GeneDx Variant Classification Process June 2021. Collection method: clinical testing. Allele origin: germline. Affected: yes.
Comment: Not observed at significant frequency in large population cohorts (gnomAD); In silico analysis supports that this missense variant has a deleterious effect on protein structure/function; Has not been previously published as pathogenic or benign to our knowledge

Labcorp Genetics (formerly Invitae), Labcorp
Classification: Uncertain significance for Atrioventricular septal defect 5. Last evaluated: 2022-03-23. Review status: criteria provided, single submitter. Criteria: Invitae Variant Classification Sherloc (09022015). Collection method: clinical testing. Allele origin: germline.
Comment: In summary, the available evidence is currently insufficient to determine the role of this variant in disease. Therefore, it has been classified as a Variant of Uncertain Significance. Algorithms developed to predict the effect of missense changes on protein structure and function are either unavailable or do not agree on the potential impact of this missense change (SIFT: "Tolerated"; PolyPhen-2: "Probably Damaging"; Align-GVGD: "Class C0"). This variant has not been reported in the literature in individuals affected with GATA6-related conditions. This variant is present in population databases (rs746906542, gnomAD 0.002%). This sequence change replaces serine, which is neutral and polar, with proline, which is neutral and non-polar, at codon 505 of the GATA6 protein (p.Ser505Pro).

NM_005257.6(GATA6):c.1513T>C (p.Ser505Pro)

Gene: GATA6 (GATA binding protein 6; plus strand). Cytogenetic location: 18q11.2.
Variant type: single nucleotide variant.
Coding change: c.1513T>C on transcript NM_005257.6 (MANE Select); coding-DNA position 1513, T replaced by C.
Protein change: p.Ser505Pro; replaces serine 505 with proline.
Molecular consequence: missense variant.
Genome position (GRCh38, 1-based): chr18:22,182,841, T>C. VCF-style: chr18-22182841-T-C. GRCh37 (hg19) VCF-style: chr18-19762802-T-C.
Other names: c.1513T>C (NM_005257.4, NM_005257.3); short protein forms S505P.
Identifiers: ClinVar variation 1390371 (VCV001390371.8), dbSNP rs746906542, ClinGen allele CA8909001.